The following is an entry in ClinVar:

NM_152564.5(VPS13B):c.9331-8_9331-3del

Gene: VPS13B (vacuolar protein sorting 13 homolog B; plus strand). Cytogenetic location: 8q22.2.
Variant type: Deletion.
Coding change: c.9331-8_9331-3del on transcript NM_152564.5 (MANE Select); 8 bases into the intron before coding-DNA position 9331 through 3 bases into the intron before coding-DNA position 9331, 6 bases deleted (TTTTTT; older notation c.9331-8_9331-3delTTTTTT).
Molecular consequence: intron variant.
Genome position (GRCh38, 1-based): chr8:99,832,361-99,832,366, TTTTTT deleted; deleting any 6 consecutive bases within chr8:99,832,342-99,832,366 gives the same sequence; the c. name uses the placement nearest the transcript's 3' end. VCF-style (leftmost placement, unchanged base first): chr8-99832341-ATTTTTT-A. GRCh37 (hg19) VCF-style: chr8-100844569-ATTTTTT-A.
Other names: c.9406-8_9406-3del (NM_017890.5).
Identifiers: ClinVar variation 3034516 (VCV003034516.2), dbSNP rs370235149, ClinGen allele CA857608645.

ClinVar aggregate classification (germline): Likely benign (0 of 4 stars; one submission).

Conditions:
VPS13B-related disorder. Also called: VPS13B-related condition.

Submission:

PreventionGenetics, part of Exact Sciences
Classification: Likely benign for VPS13B-related condition. Last evaluated: 2020-02-25. Review status: no assertion criteria provided. Collection method: clinical testing. Allele origin: germline.
Comment: This variant is classified as likely benign based on ACMG/AMP sequence variant interpretation guidelines (Richards et al. 2015 PMID: 25741868, with internal and published modifications).